The following is an entry in ClinVar:

NM_006348.5(COG5):c.836-4C>A

Gene: COG5 (component of oligomeric golgi complex 5; minus strand). Cytogenetic location: 7q22.3.
Variant type: single nucleotide variant.
Coding change: c.836-4C>A on transcript NM_006348.5 (MANE Select); 4 bases into the intron before coding-DNA position 836, C replaced by A.
Molecular consequence: intron variant.
Genome position (GRCh38, 1-based): chr7:107,362,424, G>T on the plus strand (C>A on the coding strand, the complement: COG5 is on the minus strand). VCF-style: chr7-107362424-G-T. GRCh37 (hg19) VCF-style: chr7-107002869-G-T.
Other names: c.929-4C>A (NM_006348.3); c.235-314C>A (NM_001379516.1); c.539-64078C>A (NM_001379515.1); c.836-4C>A (NM_001379511.1, NM_001379512.1, NM_181733.4 and 3 more transcripts).
Identifiers: ClinVar variation 1622418 (VCV001622418.10), dbSNP rs1001144225, ClinGen allele CA164702903.

ClinVar aggregate classification (germline): Likely benign. Review status: criteria provided, single submitter (1 of 4 stars). 2 submissions from 2 submitters: Likely benign (1). 1 of the submissions does not count toward it. Last evaluated 2024-07-06.

Conditions:
COG5-related disorder. Also called: COG5-related condition.
COG5-congenital disorder of glycosylation. Also called: CDG IIi; CONGENITAL DISORDER OF GLYCOSYLATION, TYPE IIi; COG5-CDG. Identifiers: Orphanet 263487, MedGen C3150876, MONDO:0013325, OMIM 613612.

Allele frequency attached by ClinVar (database versions not stated): gnomAD exomes 0.00001 and 0.00002; TOPMed 0.00001.
gnomAD v4.1: 9 of 1,592,658 alleles (0.00057%); highest among the groups gnomAD compares: Admixed American, 0.0067%; no homozygotes.

Submissions (2):

Labcorp Genetics (formerly Invitae), Labcorp
Classification: Likely benign for COG5-congenital disorder of glycosylation. Last evaluated: 2024-07-06. Review status: criteria provided, single submitter. Criteria: Invitae Variant Classification Sherloc (09022015). Collection method: clinical testing. Allele origin: germline.

PreventionGenetics, part of Exact Sciences
Classification: Likely benign for COG5-related condition. Last evaluated: 2020-03-03. Review status: no assertion criteria provided. Collection method: clinical testing. Allele origin: germline. Not counted in ClinVar's aggregate classification.
Comment: This variant is classified as likely benign based on ACMG/AMP sequence variant interpretation guidelines (Richards et al. 2015 PMID: 25741868, with internal and published modifications).